The following is an entry in ClinVar:

ClinVar aggregate classification (germline): Uncertain significance (1 of 4 stars; one submission).

gnomAD v4.1: 10 of 1,576,294 alleles (0.00063%); highest among the groups gnomAD compares: East Asian, 0.0093%; no homozygotes.

Submission:

GeneDx
Classification: Uncertain significance. Last evaluated: 2024-04-30. Review status: criteria provided, single submitter. Criteria: GeneDx Variant Classification Process June 2021. Collection method: clinical testing. Allele origin: germline. Affected: yes.
Comment: Not observed at significant frequency in large population cohorts (gnomAD); In silico analysis indicates that this missense variant does not alter protein structure/function; Has not been previously published as pathogenic or benign to our knowledge

NM_001009944.3(PKD1):c.10429C>T (p.Leu3477Phe)

Gene: PKD1 (polycystin 1, transient receptor potential channel interacting; minus strand). Cytogenetic location: 16p13.3.
Variant type: single nucleotide variant.
Coding change: c.10429C>T on transcript NM_001009944.3 (MANE Select); coding-DNA position 10429, C replaced by T.
Protein change: p.Leu3477Phe; replaces leucine 3477 with phenylalanine.
Molecular consequence: missense variant.
Genome position (GRCh38, 1-based): chr16:2,097,218, G>A on the plus strand (C>T on the coding strand, the complement: PKD1 is on the minus strand). VCF-style: chr16-2097218-G-A. GRCh37 (hg19) VCF-style: chr16-2147219-G-A.
Other names: c.10426C>T, p.Leu3476Phe (NM_000296.4); short protein forms L3476F, L3477F.
Identifiers: ClinVar variation 3373114 (VCV003373114.1).
Genomic context (GRCh38, chr16:2,097,218, plus strand): 5'-GCAGGTCCGTTTCCATGTGGGTGTCTTGGGTAGGGGCTGGGCTGCTGACCCCCTCGGCAA[G>A]GACCTGCTGGATCAGGTCTTCATCTAGAGGTACAGGAGGCATAGGGTGGGCCCAGCTGCA-3'
Protein context (NP_001009944.3, residues 3467-3487): ASDEDLIQQV[Leu3477Phe]AEGVSSPAPT